The following is an entry in ClinVar:

NM_007129.5(ZIC2):c.1517del (p.Gly506fs)

Gene: ZIC2 (Zic family zinc finger 2; plus strand). Cytogenetic location: 13q32.3.
Variant type: Deletion.
Coding change: c.1517del on transcript NM_007129.5 (MANE Select); coding-DNA position 1517, one base deleted (G; older notation c.1517delG).
Protein change: p.Gly506fs; shifts the reading frame from glycine 506.
Molecular consequence: frameshift variant.
Genome position (GRCh38, 1-based): chr13:99,985,600, G deleted; the last of 5 consecutive G bases (chr13:99,985,596-99,985,600); deleting any one gives the same sequence. VCF-style (leftmost placement, unchanged base first): chr13-99985595-CG-C. GRCh37 (hg19) VCF-style: chr13-100637849-CG-C.
Other names: short protein forms G506fs.
Identifiers: ClinVar variation 4888438 (VCV004888438.1).
Genomic context (GRCh38, chr13:99,985,595, plus strand): 5'-CGCGGGAGGCGGCTCAGGCGGCGGCAGCGGCAGTGGCGGGGGCGGCGGCGGGGCGGGCGG[CG>C]GGGGCGGCGGCAGCTCTGGCGGGGGCAGCGGGACAGCCGGGGGTCACAGCGGCCTCTCCT-3'

ClinVar aggregate classification (germline): Uncertain significance (1 of 4 stars; one submission).

Conditions:
Holoprosencephaly 5 (HPE5). Identifiers: Orphanet 2162, MedGen C1864827, MONDO:0012322, OMIM 609637.

Submission:

MVZ Praenatalmedizin und Genetik Nuernberg
Classification: Uncertain significance for Holoprosencephaly 5. Last evaluated: 2026-03-16. Review status: criteria provided, single submitter. Criteria: ACMG Guidelines, 2015. Collection method: clinical testing. Allele origin: germline.
Comment: The region where the aforementioned genetic variant is located is technically difficult to resolve and could neither be confirmed nor ruled out using a second method. The variant has not yet been described in the ClinVar database and is expected to result in a frameshift in exon 3 of 3 as well as a premature stop codon. No stop variant located further toward the 3'-end is described in the ClinVar database. One stop variant located further toward the 3'-end has been reported in the literature, which was found in a patient with holoprosencephaly (PMID 19177455). However, functional analyses are not yet available. Based on the available data, it cannot be clearly determined whether the above-mentioned change can lead to a so-called loss-of-function of the ZIC2 gene product and would therefore be considered pathogenic. Pathogenic changes in the ZIC2 gene are associated with autosomal dominant holoprosencephaly (OMIM 609637). In summary, based on the current data, we assess this to be a variant of uncertain clinical significance (VUS), but with a pathogenic tendency.

Literature cited by the submitters: PubMed 19177455.